The following is an entry in ClinVar:

ClinVar aggregate classification (germline): Uncertain significance (1 of 4 stars; one submission).

Conditions:
Cardiovascular phenotype. Identifiers: MedGen CN230736.

Submission:

Ambry Genetics
Classification: Uncertain significance for Cardiovascular phenotype. Last evaluated: 2025-09-17. Review status: criteria provided, single submitter. Criteria: Ambry Variant Classification Scheme 2023. Collection method: clinical testing. Allele origin: germline.
Comment: The p.T416I variant (also known as c.1247C>T), located in coding exon 9 of the ABCG8 gene, results from a C to T substitution at nucleotide position 1247. The threonine at codon 416 is replaced by isoleucine, an amino acid with similar properties. This amino acid position is conserved. In addition, the in silico prediction for this alteration is inconclusive. Based on the available evidence, the clinical significance of this variant remains unclear.

NM_022437.3(ABCG8):c.1247C>T (p.Thr416Ile)

Gene: ABCG8 (ATP binding cassette subfamily G member 8; plus strand). Cytogenetic location: 2p21.
Variant type: single nucleotide variant.
Coding change: c.1247C>T on transcript NM_022437.3 (MANE Select); coding-DNA position 1247, C replaced by T.
Protein change: p.Thr416Ile; replaces threonine 416 with isoleucine.
Molecular consequence: missense variant.
Genome position (GRCh38, 1-based): chr2:43,873,822, C>T. VCF-style: chr2-43873822-C-T. GRCh37 (hg19) VCF-style: chr2-44100961-C-T.
Other names: c.1244C>T, p.Thr415Ile (NM_001357321.2); short protein forms T415I, T416I.
Identifiers: ClinVar variation 4613342 (VCV004613342.1).